The following is an entry in ClinVar:

NM_001243133.2(NLRP3):c.2433C>T (p.Phe811=)

Gene: NLRP3 (NLR family pyrin domain containing 3; plus strand). Cytogenetic location: 1q44.
Variant type: single nucleotide variant.
Coding change: c.2433C>T on transcript NM_001243133.2 (MANE Select); coding-DNA position 2433, C replaced by T.
Protein change: p.Phe811=; no amino-acid change (phenylalanine 811 retained).
Molecular consequence: synonymous variant.
Genome position (GRCh38, 1-based): chr1:247,434,214, C>T. VCF-style: chr1-247434214-C-T. GRCh37 (hg19) VCF-style: chr1-247597516-C-T.
Other names: c.2433C>T, p.Phe811= (NM_001079821.3, NM_001127461.3); c.2262C>T, p.Phe754= (NM_001127462.3, NM_183395.3); c.2439C>T, p.Phe813= (NM_004895.5).
Identifiers: ClinVar variation 875057 (VCV000875057.12), dbSNP rs143175395, ClinGen allele CA1495238.

ClinVar aggregate classification (germline): Benign/Likely benign. Review status: criteria provided, multiple submitters, no conflicts (2 of 4 stars). 4 submissions from 2 submitters: Benign (3); Likely benign (1). Last evaluated 2025-07-21.

Conditions:
Familial amyloid nephropathy with urticaria AND deafness (MWS). Also called: UDA SYNDROME; URTICARIA-DEAFNESS-AMYLOIDOSIS SYNDROME; MUCKLE-WELLS SYNDROME; Urticaria, deafness and amyloidosis; CRYOPYRIN-ASSOCIATED PERIODIC SYNDROME 2. Identifiers: Orphanet 575, MedGen C0268390, MONDO:0008633, OMIM 191900.
Familial cold autoinflammatory syndrome 1 (FCAS1). Also called: CRYOPYRIN-ASSOCIATED PERIODIC SYNDROME 1; Familial cold inflammatory syndrome 1. Identifiers: Orphanet 47045, MedGen C4551895, MONDO:0007349, OMIM 120100.
Cryopyrin associated periodic syndrome (CAPS). Identifiers: Orphanet 208650, MedGen C2316212, MONDO:0016168.
Chronic infantile neurological, cutaneous and articular syndrome (CINCA). Also called: CINCA syndrome; CHRONIC NEUROLOGIC CUTANEOUS AND ARTICULAR SYNDROME; Prieur Griscelli syndrome; CRYOPYRIN-ASSOCIATED PERIODIC SYNDROME 3. Identifiers: Orphanet 1451, MedGen C0409818, MONDO:0011776, OMIM 607115.

Allele frequency attached by ClinVar (database versions not stated): gnomAD 0.00002 and 0.00003; gnomAD exomes 0.00003 and 0.00005; ExAC 0.00004; TOPMed 0.00004; ESP Exome Variant Server 0.00008; 1000 Genomes Project 30x 0.00031; 1000 Genomes Project 0.00040.
gnomAD v4.1: 52 of 1,614,240 alleles (0.0032%); highest among the groups gnomAD compares: Admixed American, 0.0083%; no homozygotes.

Submissions (4):

Labcorp Genetics (formerly Invitae), Labcorp
Classification: Likely benign for Cryopyrin associated periodic syndrome. Last evaluated: 2025-07-21. Review status: criteria provided, single submitter. Criteria: Invitae Variant Classification Sherloc (09022015). Collection method: clinical testing. Allele origin: germline.

Illumina Laboratory Services, Illumina
Classification: Benign for Familial amyloid nephropathy with urticaria AND deafness. Last evaluated: 2018-01-13. Review status: criteria provided, single submitter. Criteria: ICSL Variant Classification Criteria 13 December 2019. Collection method: clinical testing. Allele origin: germline.
Comment: This variant was observed in the ICSL laboratory as part of a predisposition screen in an ostensibly healthy population. It had not been previously curated by ICSL or reported in the Human Gene Mutation Database (HGMD: prior to June 1st, 2018), and was therefore a candidate for classification through an automated scoring system. Utilizing variant allele frequency, disease prevalence and penetrance estimates, and inheritance mode, an automated score was calculated to assess if this variant is too frequent to cause the disease. Based on the score and internal cut-off values, a variant classified as benign is not then subjected to further curation. The score for this variant resulted in a classification of benign for this disease.

Illumina Laboratory Services, Illumina
Classification: Benign for Familial cold autoinflammatory syndrome 1. Last evaluated: 2018-01-13. Review status: criteria provided, single submitter. Criteria: ICSL Variant Classification Criteria 13 December 2019. Collection method: clinical testing. Allele origin: germline.
Comment: the same text as in the submission from Illumina Laboratory Services, Illumina above.

Illumina Laboratory Services, Illumina
Classification: Benign for Chronic infantile neurological, cutaneous and articular syndrome. Last evaluated: 2018-01-13. Review status: criteria provided, single submitter. Criteria: ICSL Variant Classification Criteria 13 December 2019. Collection method: clinical testing. Allele origin: germline.
Comment: the same text as in the submission from Illumina Laboratory Services, Illumina above.